The following is an entry in ClinVar:

NM_004456.5(EZH2):c.764C>T (p.Ala255Val)

Gene: EZH2 (enhancer of zeste 2 polycomb repressive complex 2 subunit; minus strand). Cytogenetic location: 7q36.1.
Variant type: single nucleotide variant.
Coding change: c.764C>T on transcript NM_004456.5 (MANE Select); coding-DNA position 764, C replaced by T.
Protein change: p.Ala255Val; replaces alanine 255 with valine.
Molecular consequence: missense variant.
Genome position (GRCh38, 1-based): chr7:148,826,597, G>A on the plus strand (C>T on the coding strand, the complement: EZH2 is on the minus strand). VCF-style: chr7-148826597-G-A. GRCh37 (hg19) VCF-style: chr7-148523689-G-A.
Other names: c.764C>T, p.Ala255Val (NM_001203247.2); c.737C>T, p.Ala246Val (NM_001203248.2, NM_001203249.2); c.647C>T, p.Ala216Val (NM_152998.3); short protein forms A255V, A246V, A216V.
Identifiers: ClinVar variation 2049159 (VCV002049159.6), dbSNP rs372285596, ClinGen allele CA4548034.

ClinVar aggregate classification (germline): Uncertain significance. Review status: criteria provided, multiple submitters, no conflicts (2 of 4 stars). 3 submissions from 3 submitters: Uncertain significance (3). Last evaluated 2025-12-29.

Conditions:
Inborn genetic diseases. Identifiers: MedGen C0950123, MeSH D030342.
Weaver syndrome (WVS). Also called: Weaver Smith syndrome; Overgrowth syndrome with accelerated skeletal maturation, unusual facies, and camptodactyly. Identifiers: Orphanet 3447, MedGen C0265210, MONDO:0010193, OMIM 277590.
EZH2-related disorder.

Allele frequency attached by ClinVar (database versions not stated): gnomAD exomes below 0.00001; ExAC 0.00001; gnomAD 0.00001; TOPMed 0.00002; ESP Exome Variant Server 0.00008.
gnomAD v4.1: 7 of 1,557,870 alleles (0.00045%); highest among the groups gnomAD compares: Non-Finnish European, 0.00061%; no homozygotes.

Submissions (3):

Ambry Genetics
Classification: Uncertain significance for Inborn genetic diseases. Last evaluated: 2025-12-29. Review status: criteria provided, single submitter. Criteria: Ambry Variant Classification Scheme 2023. Collection method: clinical testing. Allele origin: germline.
Comment: The c.764C>T (p.A255V) alteration is located in exon 8 (coding exon 7) of the EZH2 gene. This alteration results from a C to T substitution at nucleotide position 764, causing the alanine (A) at amino acid position 255 to be replaced by a valine (V). Based on data from gnomAD, the T allele has an overall frequency of <0.001% (0/232526) total alleles studied. The highest observed frequency was <0.001% (/) of alleles. Based on insufficient or conflicting evidence, the clinical significance of this alteration remains unclear.

PreventionGenetics, part of Exact Sciences
Classification: Uncertain significance for EZH2-related condition. Last evaluated: 2023-03-07. Review status: criteria provided, single submitter. Criteria: ACMG Guidelines, 2015. Collection method: clinical testing. Allele origin: germline.
Comment: The EZH2 c.764C>T variant is predicted to result in the amino acid substitution p.Ala255Val. To our knowledge, this variant has not been reported in the literature or in a large population database, indicating this variant is rare. At this time, the clinical significance of this variant is uncertain due to the absence of conclusive functional and genetic evidence.

Labcorp Genetics (formerly Invitae), Labcorp
Classification: Uncertain significance for Weaver syndrome. Last evaluated: 2022-09-20. Review status: criteria provided, single submitter. Criteria: Invitae Variant Classification Sherloc (09022015). Collection method: clinical testing. Allele origin: germline.
Comment: In summary, the available evidence is currently insufficient to determine the role of this variant in disease. Therefore, it has been classified as a Variant of Uncertain Significance. Advanced modeling of protein sequence and biophysical properties (such as structural, functional, and spatial information, amino acid conservation, physicochemical variation, residue mobility, and thermodynamic stability) performed at Invitae indicates that this missense variant is not expected to disrupt EZH2 protein function. This variant has not been reported in the literature in individuals affected with EZH2-related conditions. This variant is not present in population databases (gnomAD no frequency). This sequence change replaces alanine, which is neutral and non-polar, with valine, which is neutral and non-polar, at codon 255 of the EZH2 protein (p.Ala255Val).